The following is an entry in ClinVar:

ClinVar aggregate classification (germline): Pathogenic. Review status: criteria provided, multiple submitters, no conflicts (2 of 4 stars). 2 submissions from 2 submitters: Pathogenic (2). Last evaluated 2024-07-23.

Conditions:
Duchenne muscular dystrophy (DMD). Also called: Duchenne Muscular Dystrophy (DMD); MUSCULAR DYSTROPHY, PSEUDOHYPERTROPHIC PROGRESSIVE, DUCHENNE TYPE. Identifiers: Orphanet 98896, MedGen C0013264, MONDO:0010679, OMIM 310200.

Submissions (2):

Revvity Omics, Revvity
Classification: Pathogenic. Last evaluated: 2024-07-23. Review status: criteria provided, single submitter. Criteria: ACMG Guidelines, 2015. Collection method: clinical testing. Allele origin: germline.

Labcorp Genetics (formerly Invitae), Labcorp
Classification: Pathogenic for Duchenne muscular dystrophy. Last evaluated: 2019-12-27. Review status: criteria provided, single submitter. Criteria: Invitae Variant Classification Sherloc (09022015). Collection method: clinical testing. Allele origin: germline.
Comment: For these reasons, this variant has been classified as Pathogenic. Loss-of-function variants in DMD are known to be pathogenic (PMID: 16770791, 25007885). This variant has been reported in individuals in the Leiden Open-source Variation Database (PMID: 21520333). This variant is not present in population databases (ExAC no frequency). This sequence change creates a premature translational stop signal (p.Gln2876*) in the DMD gene. It is expected to result in an absent or disrupted protein product.

Literature cited by the submitters: PubMed 16770791 (cited by Labcorp Genetics (formerly Invitae), Labcorp); PubMed 25007885 (cited by Labcorp Genetics (formerly Invitae), Labcorp); PubMed 21520333 (cited by Labcorp Genetics (formerly Invitae), Labcorp).

NM_004006.3(DMD):c.8626C>T (p.Gln2876Ter)

Gene: DMD (dystrophin; minus strand). Cytogenetic location: Xp21.2.
Variant type: single nucleotide variant.
Coding change: c.8626C>T on transcript NM_004006.3 (MANE Select); coding-DNA position 8626, C replaced by T.
Protein change: p.Gln2876Ter; replaces glutamine 2876 with a stop codon.
Molecular consequence: nonsense.
Genome position (GRCh38, 1-based): chrX:31,479,025, G>A on the plus strand (C>T on the coding strand, the complement: DMD is on the minus strand). VCF-style: chrX-31479025-G-A. GRCh37 (hg19) VCF-style: chrX-31497142-G-A.
Other names: c.8602C>T, p.Gln2868Ter (NM_000109.4); c.8614C>T, p.Gln2872Ter (NM_004009.3); c.8257C>T, p.Gln2753Ter (NM_004010.3); c.4603C>T, p.Gln1535Ter (NM_004011.4); c.4594C>T, p.Gln1532Ter (NM_004012.4); c.1246C>T, p.Gln416Ter (NM_004013.3, NM_004020.4, NM_004021.3 and 2 more transcripts); c.439C>T, p.Gln147Ter (NM_004014.3); short protein forms Q2753*, Q2872*, Q2876*, Q416*, Q147*, Q1532*, Q1535*, Q2868*.
Identifiers: ClinVar variation 851918 (VCV000851918.12), dbSNP rs2068036881, ClinGen allele CA412654518.